The following is an entry in ClinVar:

ClinVar aggregate classification (germline): Conflicting classifications of pathogenicity. Review status: criteria provided, conflicting classifications (1 of 4 stars). 5 submissions from 5 submitters: Pathogenic (1); Likely pathogenic (3); Uncertain significance (1). Last evaluated 2026-05-05.

Conditions:
TTN-related disorder. Also called: TTN-related condition; TTN-related disease; TTN-related disorders.
Autosomal recessive limb-girdle muscular dystrophy type 2J (LGMDR10). Also called: MUSCULAR DYSTROPHY, LIMB-GIRDLE, AUTOSOMAL RECESSIVE 10; Limb-girdle muscular dystrophy, type 2J. Identifiers: Orphanet 140922, MedGen C1837342, MONDO:0012127, OMIM 608807.
Dilated cardiomyopathy 1G (CMD1G). Identifiers: Orphanet 154, MedGen C1858763, MONDO:0011400, OMIM 604145.
Primary dilated cardiomyopathy (DCM). Also called: Dilated Cardiomyopathy. Identifiers: Orphanet 217604, MedGen C0007193, MeSH D002311, MONDO:0005021, HP:0001644. Inheritance: Various modes of inheritance.

Allele frequency attached by ClinVar (database versions not stated): TOPMed below 0.00001; gnomAD exomes 0.00001; ExAC 0.00003.

Submissions (5):

Clinical Genetics Laboratory, Region Ostergotland
Classification: Likely pathogenic for Dilated cardiomyopathy 1G. Last evaluated: 2026-05-05. Review status: criteria provided, single submitter. Criteria: ACMG Guidelines, 2015. Collection method: clinical testing. Allele origin: germline. Affected: yes.
Comment: The NM_001267550.2(TTN):c.43544dup frameshift variant is predicted to result in a premature STOP codon (p.(Phe14516Ilefs*8)) in a gene where loss of function is a known mechanism of disease. This variant is reported at a low frequency in gnomAD v4.1.1. The following ACMG/AMP criteria were applied in classifying this variant as Likely Pathogenic: PM2, PVS1

Labcorp Genetics (formerly Invitae), Labcorp
Classification: Likely pathogenic for Dilated cardiomyopathy 1G; Autosomal recessive limb-girdle muscular dystrophy type 2J. Last evaluated: 2025-01-19. Review status: criteria provided, single submitter. Criteria: Invitae Variant Classification Sherloc (09022015). Collection method: clinical testing. Allele origin: germline.
Comment: This sequence change creates a premature translational stop signal (p.Phe14516Ilefs*8) in the TTN gene. While this is not anticipated to result in nonsense mediated decay, it is expected to create a truncated TTN protein. This variant is present in population databases (rs752856716, gnomAD 0.003%). This variant has not been observed in the literature in individuals with autosomal recessive TTN-related conditions. This variant has been reported in individual(s) with dilated cardiomyopathy (PMID: 22335739); however, the role of the variant in this condition is currently unclear. ClinVar contains an entry for this variant (Variation ID: 202536). This variant is located in the I band of TTN (PMID: 25589632). Truncating variants in this region have been reported in individuals affected with autosomal recessive centronuclear myopathy (PMID: 23975875, internal data). Truncating variants in this region have also been identified in individuals affected with autosomal dominant dilated cardiomyopathy and/or cardio-related conditions (PMID: 27869827, 32964742, internal data). In summary, the currently available evidence indicates that the variant is pathogenic, but additional data are needed to prove that conclusively. Therefore, this variant has been classified as Likely Pathogenic.

Blueprint Genetics
Classification: Pathogenic for TTN-related disorders. Last evaluated: 2024-10-17. Review status: criteria provided, single submitter. Criteria: ACMG Guidelines, 2015. Collection method: clinical testing. Allele origin: germline. Affected: yes. Observed: 5 variant alleles.

Laboratory for Molecular Medicine, Mass General Brigham Personalized Medicine
Classification: Likely pathogenic for Primary dilated cardiomyopathy. Last evaluated: 2015-05-20. Review status: criteria provided, single submitter. Criteria: LMM Criteria. Collection method: clinical testing. Allele origin: germline. Inheritance: Autosomal dominant inheritance. Observed: 3 variant alleles.
Comment: This variant is predicted to cause a frameshift, whi ch alters the protein?s amino acid sequence beginning at position 11948 and lead s to a premature termination codon 8 amino acids downstream. This alteration is then predicted to lead to a truncated or absent protein. Frameshift and other tr uncating variants in TTN are strongly associated with DCM if they are located in the exons encoding for the A-band (Herman 2012, Pugh 2014) and/or are located i n an exon that is highly expressed in the heart (Roberts 2015). The p.Phe11948fs variant is located in I-band in the highly expressed exon 185. This variant has also been identified in 3/47886 European chromosomes by the Exome Aggregation C onsortium (ExAC); however, for diseases with cli nical variability and reduced penetrance, pathogenic variants may be present at a low frequency in the general population. In summary, although additional studi es are required to fully establish its clinical significance, the p.Phe11948fs v ariant is likely pathogenic.

GeneDx
Classification: Uncertain significance. Last evaluated: 2014-10-10. Review status: criteria provided, single submitter. Criteria: GeneDx Variant Classification (06012015). Collection method: clinical testing. Allele origin: germline. Affected: yes.
Comment: c.38621dupT: p.Phe12875IlefsX8 (F12875IfsX8) in exon 186 of the TTN gene (NM_001256850.1). The normal sequence with the bases that are duplicated in braces is: GCTG{T}ATTT Although the c.38621dupT variant in the TTN gene has not been reported to our knowledge, this mutation causes a shift in reading frame starting at codon Phenylalanine 12875, changing it to an Isoleucine, and creating a premature stop codon at position 8 of the new reading frame, denoted p.Phe12875IlefsX8. This mutation is expected to result in either an abnormal, truncated protein product or loss of protein from this allele through nonsense-mediated mRNA decay. However, truncating variants in the TTN gene have been reported in approximately 3% of reported control alleles (Herman D et al., 2012). Furthermore, c.38621dupT is not located in the A-band region of titin, where the majority of truncating mutations associated with DCM have been reported (Herman D et al., 2012). Therefore, based on the currently available information, it is unclear whether this variant is a pathogenic mutation or a rare benign variant. The variant is found in DCM-CRDM panel(s).

Literature cited by the submitters: PubMed 22335739 (cited by Labcorp Genetics (formerly Invitae), Labcorp); PubMed 25589632 (cited by Labcorp Genetics (formerly Invitae), Labcorp); PubMed 23975875 (cited by Labcorp Genetics (formerly Invitae), Labcorp); PubMed 27869827 (cited by Labcorp Genetics (formerly Invitae), Labcorp); PubMed 32964742 (cited by Labcorp Genetics (formerly Invitae), Labcorp).

NM_001256850.1(TTN):c.38621dup (p.Phe12875fs)

Gene: TTN (titin; minus strand). Cytogenetic location: 2q31.2.
Variant type: Duplication.
Coding change: c.38621dup on transcript NM_001256850.1; coding-DNA position 38621, one base duplicated (T; older notation c.38621dupT).
Protein change: p.Phe12875fs; shifts the reading frame from phenylalanine 12875.
Molecular consequence: frameshift variant (on NM_133378.4).
Genome position (GRCh38, 1-based): chr2:178,632,350, A duplicated on the plus strand (T on the coding strand, the reverse complement: TTN is on the minus strand). VCF-style (leftmost placement, unchanged base first): chr2-178632349-T-TA. GRCh37 (hg19) VCF-style: chr2-179497076-T-TA.
Other names: c.43544dup, p.Phe14516fs (NM_001267550.2); c.16349dup, p.Phe5451fs (NM_003319.4); c.35840dup, p.Phe11948fs (NM_133378.4); c.16724dup, p.Phe5576fs (NM_133432.3); c.16925dup, p.Phe5643fs (NM_133437.4); c.35840dupT (NM_133378.4); c.38621dupT (NM_001256850.1); short protein forms F5643fs, F11948fs, F12875fs, F5451fs, F5576fs, F14516fs.
Identifiers: ClinVar variation 202536 (VCV000202536.12), dbSNP rs752856716, ClinGen allele CA309540.